The following is an entry in ClinVar:

NM_000059.4(BRCA2):c.3965A>C (p.Asn1322Thr)

Gene: BRCA2 (BRCA2 DNA repair associated; plus strand). Cytogenetic location: 13q13.1.
Variant type: single nucleotide variant.
Coding change: c.3965A>C on transcript NM_000059.4 (MANE Select); coding-DNA position 3965, A replaced by C.
Protein change: p.Asn1322Thr; replaces asparagine 1322 with threonine.
Molecular consequence: missense variant.
Genome position (GRCh38, 1-based): chr13:32,338,320, A>C. VCF-style: chr13-32338320-A-C. GRCh37 (hg19) VCF-style: chr13-32912457-A-C.
Other names: short protein forms N1322T.
Identifiers: ClinVar variation 51575 (VCV000051575.28), dbSNP rs80358646, ClinGen allele CA019283.

ClinVar aggregate classification (germline): Conflicting classifications of pathogenicity. Review status: criteria provided, conflicting classifications (1 of 4 stars). 12 submissions from 12 submitters: Uncertain significance (8); Likely benign (1). 3 of the submissions do not count toward it. Last evaluated 2025-08-22.

Conditions:
Hereditary breast ovarian cancer syndrome. Also called: Hereditary breast and ovarian cancer syndrome; Hereditary breast and ovarian cancer; Hereditary breast and ovarian cancer syndrome (HBOC); Breast and ovarian cancer; Hereditary breast and/or ovarian cancer syndrome; BRCA1- and BRCA2-Associated Hereditary Breast and Ovarian Cancer. Identifiers: Orphanet 145, MedGen C0677776, MeSH D061325, MONDO:0003582. Disease mechanism: loss of function.
Breast-ovarian cancer, familial, susceptibility to, 2 (BROVCA2). Also called: BRCA2 Hereditary Breast and Ovarian Cancer. Identifiers: Orphanet 145, MedGen C2675520, MONDO:0012933, OMIM 612555. Disease mechanism: loss of function.
Breast and/or ovarian cancer. Identifiers: MedGen CN221562.
Hereditary cancer-predisposing syndrome. Also called: Neoplastic Syndromes, Hereditary; Tumor predisposition; Hereditary Cancer Syndrome; Hereditary neoplastic syndrome. Identifiers: Orphanet 140162, MedGen C0027672, MeSH D009386, MONDO:0015356.

Allele frequency attached by ClinVar (database versions not stated): TOPMed 0.00003.
gnomAD v4.1: 14 of 1,585,318 alleles (0.00088%); highest among the groups gnomAD compares: Non-Finnish European, 0.0012%; no homozygotes.

Submissions (12):

Ambry Genetics
Classification: Uncertain significance for Hereditary cancer-predisposing syndrome. Last evaluated: 2025-08-22. Review status: criteria provided, single submitter. Criteria: Ambry Variant Classification Scheme 2023. Collection method: clinical testing. Allele origin: germline.
Comment: The p.N1322T variant (also known as c.3965A>C), located in coding exon 10 of the BRCA2 gene, results from an A to C substitution at nucleotide position 3965. The asparagine at codon 1322 is replaced by threonine, an amino acid with similar properties. This amino acid position is poorly conserved in available vertebrate species. In addition, this alteration is predicted to be tolerated by in silico analysis. Since supporting evidence is limited at this time, the clinical significance of this alteration remains unclear.

Color Diagnostics, LLC DBA Color Health
Classification: Uncertain significance for Hereditary cancer-predisposing syndrome. Last evaluated: 2025-07-21. Review status: criteria provided, single submitter. Criteria: ACMG Guidelines, 2015. Collection method: clinical testing. Allele origin: germline.
Comment: This missense variant replaces asparagine with threonine at codon 1322 of the BRCA2 protein. Computational prediction suggests that this variant may not impact protein structure and function. To our knowledge, functional studies have not been reported for this variant. This variant has not been reported in individuals affected with BRCA2-related disorders in the literature. This variant has not been identified in the general population by the Genome Aggregation Database (gnomAD). The available evidence is insufficient to determine the role of this variant in disease conclusively. Therefore, this variant is classified as a Variant of Uncertain Significance.

Labcorp Genetics (formerly Invitae), Labcorp
Classification: Uncertain significance for Hereditary breast ovarian cancer syndrome. Last evaluated: 2024-07-03. Review status: criteria provided, single submitter. Criteria: Invitae Variant Classification Sherloc (09022015). Collection method: clinical testing. Allele origin: germline.
Comment: This sequence change replaces asparagine, which is neutral and polar, with threonine, which is neutral and polar, at codon 1322 of the BRCA2 protein (p.Asn1322Thr). This variant is not present in population databases (gnomAD no frequency). This variant has not been reported in the literature in individuals affected with BRCA2-related conditions. ClinVar contains an entry for this variant (Variation ID: 51575). Advanced modeling of protein sequence and biophysical properties (such as structural, functional, and spatial information, amino acid conservation, physicochemical variation, residue mobility, and thermodynamic stability) performed at Invitae indicates that this missense variant is not expected to disrupt BRCA2 protein function with a negative predictive value of 95%. In summary, the available evidence is currently insufficient to determine the role of this variant in disease. Therefore, it has been classified as a Variant of Uncertain Significance.

All of Us Research Program, National Institutes of Health
Classification: Uncertain significance for Breast-ovarian cancer, familial, susceptibility to, 2. Last evaluated: 2023-12-01. Review status: criteria provided, single submitter. Criteria: ACMG Guidelines, 2015. Collection method: clinical testing. Allele origin: germline. Inheritance: Autosomal dominant inheritance. Observed: 5 variant alleles, 5 heterozygotes.
Comment: This study involves interpretation of variants in research participants for the purpose of population health screening. Participant phenotype was not available at the time of variant classification. Additional details can be found in publication PMID: 35346344, PMCID: PMC8962531

GeneDx
Classification: Uncertain significance. Last evaluated: 2023-07-24. Review status: criteria provided, single submitter. Criteria: GeneDx Variant Classification Process June 2021. Collection method: clinical testing. Allele origin: germline. Affected: yes.
Comment: Not observed at significant frequency in large population cohorts (gnomAD); In silico analysis supports that this missense variant has a deleterious effect on protein structure/function; Has not been previously published as pathogenic or benign to our knowledge; Also known as 4193A>C; This variant is associated with the following publications: (PMID: 31911673, 32377563, 31131967, 29884841)

University of Washington Department of Laboratory Medicine, University of Washington
Classification: Likely benign for Hereditary cancer-predisposing syndrome. Last evaluated: 2023-03-23. Review status: criteria provided, single submitter. Criteria: Dines et al. (Genet Med. 2020). Collection method: curation. Allele origin: germline.
Comment: Missense variant in a coldspot region where missense variants are very unlikely to be pathogenic (PMID:31911673).

BRCA2 exon 11 coldspot. Reclassification based on statistical prior probability.

Quest Diagnostics Nichols Institute San Juan Capistrano
Classification: Uncertain significance. Last evaluated: 2019-02-23. Review status: criteria provided, single submitter. Criteria: Quest Diagnostics criteria. Collection method: clinical testing. Allele origin: germline.

Women's Health and Genetics/Laboratory Corporation of America, LabCorp
Classification: Uncertain significance. Last evaluated: 2018-11-26. Review status: criteria provided, single submitter. Criteria: LabCorp Variant Classification Summary - May 2015. Collection method: clinical testing. Allele origin: germline.
Comment: Variant summary: BRCA2 c.3965A>C (p.Asn1322Thr) results in a non-conservative amino acid change located in the BRCA2 repeat region, between the second and third repeat (IPR002093) of the encoded protein sequence. Three of five in-silico tools predict a benign effect of the variant on protein function. The variant was absent in 224534 control chromosomes (gnomAD). The available data on variant occurrences in the general population are insufficient to allow any conclusion about variant significance. To our knowledge, no occurrence of c.3965A>C in individuals affected with Hereditary Breast and Ovarian Cancer and no experimental evidence demonstrating its impact on protein function have been reported. Two clinical diagnostic laboratories have submitted clinical-significance assessments for this variant to ClinVar after 2014 without evidence for independent evaluation, and both of them classified the variant as uncertain significance. Based on the evidence outlined above, the variant was classified as uncertain significance.

CHEO Genetics Diagnostic Laboratory, Children's Hospital of Eastern Ontario
Classification: Uncertain significance for Breast and/or ovarian cancer. Last evaluated: 2017-01-06. Review status: criteria provided, single submitter. Criteria: ACMG Guidelines, 2015. Collection method: clinical testing. Allele origin: germline. Study: Canadian Open Genetics Repository.

Breast Cancer Information Core (BIC) (BRCA2)
Classification: Uncertain significance for Breast-ovarian cancer, familial 2. Last evaluated: 2003-12-23. Review status: no assertion criteria provided. Collection method: clinical testing. Allele origin: germline. Affected: yes. Observed: 1 variant allele. Not counted in ClinVar's aggregate classification.

Clinical Genetics DNA and cytogenetics Diagnostics Lab, Erasmus MC, Erasmus Medical Center
Classification: Likely benign. Review status: no assertion criteria provided. Collection method: clinical testing. Allele origin: germline. Affected: yes. Study: VKGL Data-share Consensus. Not counted in ClinVar's aggregate classification.

Joint Genome Diagnostic Labs from Nijmegen and Maastricht, Radboudumc and MUMC+
Classification: Likely benign. Review status: no assertion criteria provided. Collection method: clinical testing. Allele origin: germline. Affected: yes. Study: VKGL Data-share Consensus. Not counted in ClinVar's aggregate classification.